The following is an entry in ClinVar:

ClinVar aggregate classification (germline): Uncertain significance. Review status: criteria provided, multiple submitters, no conflicts (2 of 4 stars). 4 submissions from 4 submitters: Uncertain significance (4). Last evaluated 2026-08-01.

Conditions:
SCN11A-related disorder. Also called: SCN11A-related condition.
Familial episodic pain syndrome with predominantly lower limb involvement. Also called: Episodic pain syndrome, familial, 3. Identifiers: Orphanet 391384, Orphanet 391392, MedGen C3809899, MONDO:0014247, OMIM 615552.
Hereditary sensory and autonomic neuropathy type 7. Also called: HSAN VII; Neuropathy, hereditary sensory and autonomic, type VII. Identifiers: Orphanet 391397, MedGen C3809882, MONDO:0014244, OMIM 615548.

Submissions (4):

CeGaT Center for Human Genetics Tuebingen
Classification: Uncertain significance. Last evaluated: 2026-08-01. Review status: criteria provided, single submitter. Criteria: CeGaT Center For Human Genetics Tuebingen Variant Classification Criteria Version 2. Collection method: clinical testing. Allele origin: germline. Affected: yes. Observed: 1 variant allele.
Comment: SCN11A: PM4:Supporting

Labcorp Genetics (formerly Invitae), Labcorp
Classification: Uncertain significance for Familial episodic pain syndrome with predominantly lower limb involvement; Hereditary sensory and autonomic neuropathy type 7. Last evaluated: 2026-02-03. Review status: criteria provided, single submitter. Criteria: Invitae Variant Classification Sherloc (09022015). Collection method: clinical testing. Allele origin: germline.
Comment: This variant, c.1195_1197del, results in the deletion of 1 amino acid(s) of the SCN11A protein (p.Val399del), but otherwise preserves the integrity of the reading frame. This variant is present in population databases (rs749659844, gnomAD 0.003%). This variant has not been reported in the literature in individuals affected with SCN11A-related conditions. ClinVar contains an entry for this variant (Variation ID: 575371). Experimental studies and prediction algorithms are not available or were not evaluated, and the functional significance of this variant is currently unknown. In summary, the available evidence is currently insufficient to determine the role of this variant in disease. Therefore, it has been classified as a Variant of Uncertain Significance.

PreventionGenetics, part of Exact Sciences
Classification: Uncertain significance for SCN11A-related condition. Last evaluated: 2025-08-06. Review status: criteria provided, single submitter. Criteria: ACMG Guidelines, 2015. Collection method: clinical testing. Allele origin: germline.
Comment: The SCN11A c.1195_1197delGTT variant is predicted to result in an in-frame deletion (p.Val399del). To our knowledge, this variant has not been reported in the literature. This variant is reported in 0.0029% of alleles in individuals of Latino descent in gnomAD. At this time, the clinical significance of this variant is uncertain due to the absence of conclusive functional and genetic evidence.

Mayo Clinic Laboratories, Mayo Clinic
Classification: Uncertain significance. Last evaluated: 2022-09-01. Review status: criteria provided, single submitter. Criteria: ACMG Guidelines, 2015. Collection method: clinical testing. Allele origin: germline. Observed: 1 variant allele.
Comment: BS2

NM_001349253.2(SCN11A):c.1192GTT[1] (p.Val399del)

Gene: SCN11A (sodium voltage-gated channel alpha subunit 11; minus strand). Cytogenetic location: 3p22.2.
Variant type: Microsatellite.
Coding change: c.1192GTT[1] on transcript NM_001349253.2 (MANE Select); one copy of the 3-base unit GTT starting at c.1192; the reference has two copies in a row; one copy, 3 bases deleted.
Protein change: p.Val399del; deletes valine 399.
Molecular consequence: inframe deletion.
Genome position (GRCh38, 1-based): chr3:38,909,099-38,909,101, AAC deleted on the plus strand (GTT on the coding strand, the reverse complement: SCN11A is on the minus strand); deleting any 3 consecutive bases within chr3:38,909,099-38,909,105 gives the same sequence; the position shown is the placement nearest the transcript's 3' end. VCF-style (leftmost placement, unchanged base first): chr3-38909098-TAAC-T. GRCh37 (hg19) VCF-style: chr3-38950589-TAAC-T.
Other names: p.Val399del; c.1195_1197del (NM_014139.2); c.1195_1197delGTT (NM_014139.2); c.1192GTT[1], p.Val399del (NM_014139.3); short protein forms V399del.
Identifiers: ClinVar variation 575371 (VCV000575371.8), dbSNP rs749659844, ClinGen allele CA2322380.
Genomic context (GRCh38, chr3:38,909,098, plus strand): 5'-TCTTTTCCTTGGCCTCTATCTCTGCAGCTACATTCTTGTTCTGCTCCTCATATGCCATGG[TAAC>T]AACAGCCAGGGTTAAGTTAATCAGGTAGAAGGAGCCCAGGAAAATGACCACAATGAAGAA-3'